The following is an entry in ClinVar:

ClinVar aggregate classification (germline): Likely benign (1 of 4 stars; one submission).

Conditions:
Leigh syndrome (NULS). Also called: Leigh's necrotizing encephalopathy; Leigh's disease; Leigh's syndrome; LEIGH SYNDROME, NUCLEAR; Leigh Syndrome (mtDNA deletion); Leigh Disease. Identifiers: Orphanet 506, MedGen C2931891, MONDO:0009723, OMIM 256000.

Submission:

Wong Mito Lab, Molecular and Human Genetics, Baylor College of Medicine
Classification: Likely benign for Leigh syndrome. Last evaluated: 2019-10-17. Review status: criteria provided, single submitter. Criteria: Modified ACMG Guidelines (Unpublished). Collection method: clinical testing. Allele origin: germline.
Comment: The NC_012920.1:m.15860A>T (YP_003024038.1:p.Ile372Phe) variant in MTCYB gene is interpretated to be a Likely Benign variant based on the modified ACMG guidelines (unpublished). This variant meets the following evidence codes: BS4, BP4

NC_012920.1(MT-CYB):m.15860A>T

Gene: MT-CYB (mitochondrially encoded cytochrome b; plus strand).
Variant type: single nucleotide variant.
Genome position: chrM-15860-A-T.
Identifiers: ClinVar variation 693969 (VCV000693969.1), dbSNP rs201023973, ClinGen allele CA913175045.